The following is an entry in ClinVar:

ClinVar aggregate classification (germline): Likely benign. Review status: criteria provided, multiple submitters, no conflicts (2 of 4 stars). 4 submissions from 4 submitters: Likely benign (4). Last evaluated 2026-01-21.

Conditions:
Chédiak-Higashi syndrome (CHS). Also called: Chediak-Higashi Syndrome. Identifiers: Orphanet 167, MedGen C0007965, MONDO:0008963, OMIM 214500.

Allele frequency attached by ClinVar (database versions not stated): TOPMed 0.00001; gnomAD 0.00002; ExAC 0.00004; gnomAD exomes 0.00006.
gnomAD v4.1: 65 of 1,613,504 alleles (0.004%); highest among the groups gnomAD compares: Middle Eastern, 0.3%; no homozygotes.

Submissions (4):

Labcorp Genetics (formerly Invitae), Labcorp
Classification: Likely benign for Chédiak-Higashi syndrome. Last evaluated: 2026-01-21. Review status: criteria provided, single submitter. Criteria: Invitae Variant Classification Sherloc (09022015). Collection method: clinical testing. Allele origin: germline.

Mayo Clinic Laboratories, Mayo Clinic
Classification: Likely benign. Last evaluated: 2025-09-12. Review status: criteria provided, single submitter. Criteria: ACMG Guidelines, 2015. Collection method: clinical testing. Allele origin: germline. Observed: 2 variant alleles.
Comment: BP4, BP7

Blueprint Genetics
Classification: Likely benign. Last evaluated: 2024-09-06. Review status: criteria provided, single submitter. Criteria: ACMG Guidelines, 2015. Collection method: clinical testing. Allele origin: germline.

CeGaT Center for Human Genetics Tuebingen
Classification: Likely benign. Last evaluated: 2023-12-01. Review status: criteria provided, single submitter. Criteria: CeGaT Center For Human Genetics Tuebingen Variant Classification Criteria Version 2. Collection method: clinical testing. Allele origin: germline. Affected: yes. Observed: 2 variant alleles.
Comment: LYST: BP4, BP7

NM_000081.4(LYST):c.3354A>G (p.Arg1118=)

Gene: LYST (lysosomal trafficking regulator; minus strand). Cytogenetic location: 1q42.3.
Variant type: single nucleotide variant.
Coding change: c.3354A>G on transcript NM_000081.4 (MANE Select); coding-DNA position 3354, A replaced by G.
Protein change: p.Arg1118=; no amino-acid change (arginine 1118 retained).
Molecular consequence: synonymous variant.
Genome position (GRCh38, 1-based): chr1:235,805,782, T>C on the plus strand (A>G on the coding strand, the complement: LYST is on the minus strand). VCF-style: chr1-235805782-T-C. GRCh37 (hg19) VCF-style: chr1-235969082-T-C.
Other names: p.Arg1118=; c.3354A>G, p.Arg1118= (NM_001301365.1).
Identifiers: ClinVar variation 807917 (VCV000807917.51), dbSNP rs777471673, ClinGen allele CA1467101.
Genomic context (GRCh38, chr1:235,805,782, plus strand): 5'-GGACTAAGGACAAGGTATTACCTGATTAGGTAACTCCAATTCCATCTTCTGTTGACTAGT[T>C]CTGGCACCATGAAGACAAATGGCCAGAAGGGCTTCCAAAAGTCGTATACTTTGAAGTGAG-3'
Protein context (NP_000072.2, residues 1108-1128): ALLAICLHGA[Arg1118=]TSQQKMELEL